The following is an entry in ClinVar:

ClinVar aggregate classification (germline): Likely pathogenic (1 of 4 stars; one submission).

Conditions:
Autosomal recessive limb-girdle muscular dystrophy type 2J (LGMDR10). Also called: Limb-girdle muscular dystrophy, type 2J; MUSCULAR DYSTROPHY, LIMB-GIRDLE, AUTOSOMAL RECESSIVE 10. Identifiers: Orphanet 140922, MedGen C1837342, MONDO:0012127, OMIM 608807.
Dilated cardiomyopathy 1G (CMD1G). Identifiers: Orphanet 154, MedGen C1858763, MONDO:0011400, OMIM 604145.

Allele frequency attached by ClinVar (database versions not stated): gnomAD 0.00001.
gnomAD v4.1: 1 of 1,611,292 alleles (0.000062%); highest among the groups gnomAD compares: African/African-American, 0.0013%; no homozygotes.

Submission:

Labcorp Genetics (formerly Invitae), Labcorp
Classification: Likely pathogenic for Dilated cardiomyopathy 1G; Autosomal recessive limb-girdle muscular dystrophy type 2J. Last evaluated: 2024-04-01. Review status: criteria provided, single submitter. Criteria: Invitae Variant Classification Sherloc (09022015). Collection method: clinical testing. Allele origin: germline.
Comment: This sequence change affects a donor splice site in intron 211 of the TTN gene. It is expected to disrupt RNA splicing and likely results in a truncated or disrupted TTN protein. This variant is present in population databases (no rsID available, gnomAD 0.01%). Disruption of this splice site has been observed in individual(s) with autosomal recessive congenital myopathy (Invitae). This variant has been reported in individual(s) with autosomal dominant cardiomyopathy (Invitae); however, the role of the variant in this condition is currently unclear. ClinVar contains an entry for this variant (Variation ID: 2119860). Algorithms developed to predict the effect of sequence changes on RNA splicing suggest that this variant may disrupt the consensus splice site. This variant is located in the I band of TTN (PMID: 25589632). Truncating variants in this region have been reported in individuals affected with autosomal recessive centronuclear myopathy (PMID: 23975875, Invitae internal data). Truncating variants in this region have also been identified in individuals affected with autosomal dominant dilated cardiomyopathy and/or cardio-related conditions (PMID: 27869827, 32964742, Invitae internal data). In summary, the currently available evidence indicates that the variant is pathogenic, but additional data are needed to prove that conclusively. Therefore, this variant has been classified as Likely Pathogenic.

Literature cited by the submitters: PubMed 25589632; PubMed 23975875; PubMed 27869827; PubMed 32964742.

NM_001267550.2(TTN):c.39895+2T>C

Gene: TTN (titin; minus strand). Cytogenetic location: 2q31.2.
Variant type: single nucleotide variant.
Coding change: c.39895+2T>C on transcript NM_001267550.2 (MANE Select); the canonical splice donor site of the intron after coding-DNA position 39895, T replaced by C.
Molecular consequence: splice donor variant. On other transcripts: intron variant (3).
Genome position (GRCh38, 1-based): chr2:178,649,815, A>G on the plus strand (T>C on the coding strand, the complement: TTN is on the minus strand). VCF-style: chr2-178649815-A-G. GRCh37 (hg19) VCF-style: chr2-179514542-A-G.
Other names: c.13283-7498T>C (NM_003319.4); c.13859-7498T>C (NM_133437.4); c.13658-7498T>C (NM_133432.3); c.32593+2T>C (NM_133378.4); c.35374+2T>C (NM_001256850.1).
Identifiers: ClinVar variation 2119860 (VCV002119860.4), dbSNP rs1427022532, ClinGen allele CA349447848.